The following is an entry in ClinVar:

ClinVar aggregate classification (germline): Uncertain significance (1 of 4 stars; one submission).

gnomAD v4.1: 2 of 1,613,122 alleles (0.00012%); highest among the groups gnomAD compares: East Asian, 0.0022%; no homozygotes.

Submission:

Labcorp Genetics (formerly Invitae), Labcorp
Classification: Uncertain significance. Last evaluated: 2024-03-01. Review status: criteria provided, single submitter. Criteria: Invitae Variant Classification Sherloc (09022015). Collection method: clinical testing. Allele origin: germline.
Comment: This sequence change replaces glycine, which is neutral and non-polar, with arginine, which is basic and polar, at codon 862 of the HK1 protein (p.Gly862Arg). This variant is not present in population databases (gnomAD no frequency). This variant has not been reported in the literature in individuals affected with HK1-related conditions. Advanced modeling of protein sequence and biophysical properties (such as structural, functional, and spatial information, amino acid conservation, physicochemical variation, residue mobility, and thermodynamic stability) performed at Invitae indicates that this missense variant is expected to disrupt HK1 protein function with a positive predictive value of 80%. In summary, the available evidence is currently insufficient to determine the role of this variant in disease. Therefore, it has been classified as a Variant of Uncertain Significance.

NM_000188.3(HK1):c.2584G>A (p.Gly862Arg)

Gene: HK1 (hexokinase 1; plus strand). Cytogenetic location: 10q22.1.
Variant type: single nucleotide variant.
Coding change: c.2584G>A on transcript NM_000188.3 (MANE Select); coding-DNA position 2584, G replaced by A.
Protein change: p.Gly862Arg; replaces glycine 862 with arginine.
Molecular consequence: missense variant.
Genome position (GRCh38, 1-based): chr10:69,398,803, G>A. VCF-style: chr10-69398803-G-A. GRCh37 (hg19) VCF-style: chr10-71158559-G-A.
Other names: c.2596G>A, p.Gly866Arg (NM_001322364.2, NM_001358263.1, NM_033497.3 and 1 more transcripts); c.2689G>A, p.Gly897Arg (NM_001322365.2); c.2500G>A, p.Gly834Arg (NM_001322366.1); c.2488G>A, p.Gly830Arg (NM_001322367.1); c.2581G>A, p.Gly861Arg (NM_033496.3); c.2548G>A, p.Gly850Arg (NM_033500.2); short protein forms G861R, G862R, G830R, G834R, G850R, G866R, G897R.
Identifiers: ClinVar variation 3681841 (VCV003681841.2).